The following is an entry in ClinVar:

ClinVar aggregate classification (germline): Pathogenic/Likely pathogenic. Review status: no assertion criteria provided (0 of 4 stars). 2 submissions from 1 submitter: Pathogenic (1); Likely pathogenic (1). Last evaluated 2022-08-19.

Conditions:
Developmental and epileptic encephalopathy, 7 (DEE7). Also called: KCNQ2-Related Neonatal-Onset Developmental and Epileptic Encephalopathy (NEO-DEE); Early infantile epileptic encephalopathy 7; KCNQ2-Related Neonatal Epileptic Encephalopathy. Identifiers: Orphanet 439218, MedGen C3150986, MONDO:0013387, OMIM 613720.
Seizures, benign familial neonatal, 1. Also called: Benign Neonatal Epilepsy 1; KCNQ2-Related Self-Limited Familial Neonatal Epilepsy (SLFNE); Seizures, benign neonatal, 1; KCNQ2-Related Benign Familial Neonatal Epilepsy. Identifiers: Orphanet 1949, MedGen C3149074, MONDO:0007365, OMIM 121200.

Submissions (3):

Center of Excellence for Medical Genomics, Chulalongkorn University
Classification: Likely pathogenic for Developmental and epileptic encephalopathy, 7. Last evaluated: 2022-08-19. Review status: no assertion criteria provided. Collection method: research. Allele origin: de novo. Affected: yes.

Center of Excellence for Medical Genomics, Chulalongkorn University
Classification: Pathogenic for Seizures, benign familial neonatal, 1. Last evaluated: 2002-09-08. Review status: no assertion criteria provided. Collection method: research. Allele origin: de novo. Affected: yes.

Channelopathy-Associated Epilepsy Research Center
No classification provided (evidence only). Condition: Complex neurodevelopmental disorder. Review status: no classification provided. Collection method: literature only. Allele origin: not applicable. Functional consequence: Severe decrease in peak current, Severe slowing of activation, Severe hyperpolarizing shift of voltage dependence of activation. Not counted in ClinVar's aggregate classification.
ClinVar note: "not provided" was previously submitted as the classification for the variant. However, the classification appeared to be based only on an observation of functional data so it was converted to no classification on 2025-07-30.

Literature cited by the submitters: PubMed 35104249 (cited by Channelopathy-Associated Epilepsy Research Center).

NM_172107.4(KCNQ2):c.836G>A (p.Gly279Asp)

Gene: KCNQ2 (potassium voltage-gated channel subfamily Q member 2; minus strand). Cytogenetic location: 20q13.33.
Variant type: single nucleotide variant.
Coding change: c.836G>A on transcript NM_172107.4 (MANE Select); coding-DNA position 836, G replaced by A.
Protein change: p.Gly279Asp; replaces glycine 279 with aspartic acid.
Molecular consequence: missense variant.
Genome position (GRCh38, 1-based): chr20:63,439,689, C>T on the plus strand (G>A on the coding strand, the complement: KCNQ2 is on the minus strand). VCF-style: chr20-63439689-C-T. GRCh37 (hg19) VCF-style: chr20-62071042-C-T.
Other names: c.836G>A, p.Gly279Asp (NM_001382235.1, NM_004518.6, NM_172106.3 and 2 more transcripts); short protein forms G279D.
Identifiers: ClinVar variation 1701799 (VCV001701799.4), dbSNP rs2145719551, ClinGen allele CA409652712.